The following is an entry in ClinVar:

ClinVar aggregate classification (germline): Uncertain significance. Review status: criteria provided, single submitter (1 of 4 stars). 2 submissions from 2 submitters: Uncertain significance (1). 1 of the submissions does not count toward it. Last evaluated 2024-09-27.

Conditions:
NEFH-related disorder. Also called: NEFH-related condition.

Allele frequency attached by ClinVar (database versions not stated): gnomAD 0.00001; TOPMed 0.00001; gnomAD exomes 0.00005.
gnomAD v4.1: 67 of 1,613,830 alleles (0.0042%); highest among the groups gnomAD compares: Non-Finnish European, 0.0055%; no homozygotes.

Submissions (2):

Labcorp Genetics (formerly Invitae), Labcorp
Classification: Uncertain significance. Last evaluated: 2024-09-27. Review status: criteria provided, single submitter. Criteria: Invitae Variant Classification Sherloc (09022015). Collection method: clinical testing. Allele origin: germline.
Comment: This sequence change replaces methionine, which is neutral and non-polar, with threonine, which is neutral and polar, at codon 311 of the NEFH protein (p.Met311Thr). This variant is present in population databases (no rsID available, gnomAD 0.007%). This variant has not been reported in the literature in individuals affected with NEFH-related conditions. ClinVar contains an entry for this variant (Variation ID: 1377147). Invitae Evidence Modeling of protein sequence and biophysical properties (such as structural, functional, and spatial information, amino acid conservation, physicochemical variation, residue mobility, and thermodynamic stability) indicates that this missense variant is not expected to disrupt NEFH protein function with a negative predictive value of 95%. In summary, the available evidence is currently insufficient to determine the role of this variant in disease. Therefore, it has been classified as a Variant of Uncertain Significance.

PreventionGenetics, part of Exact Sciences
Classification: Uncertain significance for NEFH-related condition. Last evaluated: 2023-11-01. Review status: no assertion criteria provided. Collection method: clinical testing. Allele origin: germline. Not counted in ClinVar's aggregate classification.
Comment: The NEFH c.932T>C variant is predicted to result in the amino acid substitution p.Met311Thr. To our knowledge, this variant has not been reported in the literature. This variant is reported in 0.0065% of alleles in individuals of European (Non-Finnish) descent in gnomAD. At this time, the clinical significance of this variant is uncertain due to the absence of conclusive functional and genetic evidence.

NM_021076.4(NEFH):c.932T>C (p.Met311Thr)

Gene: NEFH (neurofilament heavy chain; plus strand). Cytogenetic location: 22q12.2.
Variant type: single nucleotide variant.
Coding change: c.932T>C on transcript NM_021076.4 (MANE Select); coding-DNA position 932, T replaced by C.
Protein change: p.Met311Thr; replaces methionine 311 with threonine.
Molecular consequence: missense variant.
Genome position (GRCh38, 1-based): chr22:29,483,423, T>C. VCF-style: chr22-29483423-T-C. GRCh37 (hg19) VCF-style: chr22-29879412-T-C.
Other names: c.932T>C (NM_021076.3); short protein forms M311T.
Identifiers: ClinVar variation 1377147 (VCV001377147.9), dbSNP rs1336235367, ClinGen allele CA411124946.